The following is an entry in ClinVar:

NM_020975.6(RET):c.1685C>T (p.Thr562Ile)

Gene: RET (ret proto-oncogene; plus strand). Cytogenetic location: 10q11.21.
Variant type: single nucleotide variant.
Coding change: c.1685C>T on transcript NM_020975.6 (MANE Select); coding-DNA position 1685, C replaced by T.
Protein change: p.Thr562Ile; replaces threonine 562 with isoleucine.
Molecular consequence: missense variant.
Genome position (GRCh38, 1-based): chr10:43,112,889, C>T. VCF-style: chr10-43112889-C-T. GRCh37 (hg19) VCF-style: chr10-43608337-C-T.
Other names: c.1556C>T, p.Thr519Ile (NM_001406762.1, NM_001406761.1, NM_001406764.1 and 1 more transcripts); c.1685C>T, p.Thr562Ile (NM_001406763.1, NM_000323.2, NM_001406743.1 and 6 more transcripts); c.923C>T, p.Thr308Ile (NM_001355216.2); c.1397C>T, p.Thr466Ile (NM_001406766.1, NM_001406767.1, NM_001406770.1); c.1289C>T, p.Thr430Ile (NM_001406769.1, NM_001406772.1); c.1247C>T, p.Thr416Ile (NM_001406771.1, NM_001406773.1); c.1160C>T, p.Thr387Ile (NM_001406774.1); c.959C>T, p.Thr320Ile (NM_001406775.1, NM_001406776.1, NM_001406777.1 and 1 more transcripts); and 5 more; short protein forms T308I, T387I, T167I, T416I, T430I, T220I, T263I, T466I.
Identifiers: ClinVar variation 1932746 (VCV001932746.5), dbSNP rs2132814281, ClinGen allele CA376551872.

ClinVar aggregate classification (germline): Uncertain significance (1 of 4 stars; one submission).

Conditions:
Multiple endocrine neoplasia, type 2 (MEN2). Identifiers: Orphanet 653, MedGen C4048306, MONDO:0019003. Disease mechanism: gain of function.

Submission:

Labcorp Genetics (formerly Invitae), Labcorp
Classification: Uncertain significance for Multiple endocrine neoplasia, type 2. Last evaluated: 2022-07-07. Review status: criteria provided, single submitter. Criteria: Invitae Variant Classification Sherloc (09022015). Collection method: clinical testing. Allele origin: germline.
Comment: This variant has not been reported in the literature in individuals affected with RET-related conditions. In summary, the available evidence is currently insufficient to determine the role of this variant in disease. Therefore, it has been classified as a Variant of Uncertain Significance. Algorithms developed to predict the effect of missense changes on protein structure and function output the following: SIFT: "Tolerated"; PolyPhen-2: "Benign"; Align-GVGD: "Class C0". The isoleucine amino acid residue is found in multiple mammalian species, which suggests that this missense change does not adversely affect protein function. This variant is not present in population databases (gnomAD no frequency). This sequence change replaces threonine, which is neutral and polar, with isoleucine, which is neutral and non-polar, at codon 562 of the RET protein (p.Thr562Ile).